The following is an entry in ClinVar:

NM_023034.2(NSD3):c.1959C>T (p.Ser653=)

Gene: NSD3 (nuclear receptor binding SET domain protein 3; minus strand). Cytogenetic location: 8p11.23.
Variant type: single nucleotide variant.
Coding change: c.1959C>T on transcript NM_023034.2 (MANE Select); coding-DNA position 1959, C replaced by T.
Protein change: p.Ser653=; no amino-acid change (serine 653 retained).
Molecular consequence: synonymous variant.
Genome position (GRCh38, 1-based): chr8:38,315,939, G>A on the plus strand (C>T on the coding strand, the complement: NSD3 is on the minus strand). VCF-style: chr8-38315939-G-A. GRCh37 (hg19) VCF-style: chr8-38173457-G-A.
Identifiers: ClinVar variation 3056359 (VCV003056359.2), dbSNP rs764548951, ClinGen allele CA4717219.

ClinVar aggregate classification (germline): Likely benign (0 of 4 stars; one submission).

Conditions:
NSD3-related disorder. Also called: NSD3-related condition.

gnomAD v4.1: 207 of 1,613,534 alleles (0.013%); highest among the groups gnomAD compares: Non-Finnish European, 0.016%; no homozygotes.

Submission:

PreventionGenetics, part of Exact Sciences
Classification: Likely benign for NSD3-related condition. Last evaluated: 2019-04-30. Review status: no assertion criteria provided. Collection method: clinical testing. Allele origin: germline.
Comment: This variant is classified as likely benign based on ACMG/AMP sequence variant interpretation guidelines (Richards et al. 2015 PMID: 25741868, with internal and published modifications).